The following is an entry in ClinVar:

ClinVar aggregate classification (germline): Uncertain significance (1 of 4 stars; one submission).

Submission:

GeneDx
Classification: Uncertain significance. Last evaluated: 2024-10-08. Review status: criteria provided, single submitter. Criteria: GeneDx Variant Classification Process June 2021. Collection method: clinical testing. Allele origin: germline. Affected: yes.
Comment: Not observed at significant frequency in large population cohorts (gnomAD); Missense variants in this gene are a common cause of disease and they are underrepresented in the general population; In silico analysis indicates that this missense variant does not alter protein structure/function; Has not been previously published as pathogenic or benign to our knowledge; This variant is associated with the following publications: (PMID: 20829227)

NM_006086.4(TUBB3):c.1027G>C (p.Glu343Gln)

Gene: TUBB3 (tubulin beta 3 class III; plus strand). Cytogenetic location: 16q24.3.
Variant type: single nucleotide variant.
Coding change: c.1027G>C on transcript NM_006086.4 (MANE Select); coding-DNA position 1027, G replaced by C.
Protein change: p.Glu343Gln; replaces glutamic acid 343 with glutamine.
Molecular consequence: missense variant.
Genome position (GRCh38, 1-based): chr16:89,935,478, G>C. VCF-style: chr16-89935478-G-C. GRCh37 (hg19) VCF-style: chr16-90001886-G-C.
Other names: c.811G>C, p.Glu271Gln (NM_001197181.2); short protein forms E271Q, E343Q.
Identifiers: ClinVar variation 3777306 (VCV003777306.1).